The following is an entry in ClinVar:

ClinVar aggregate classification (germline): Uncertain significance (1 of 4 stars; one submission).

Conditions:
Inborn genetic diseases. Identifiers: MedGen C0950123, MeSH D030342.

Submission:

Ambry Genetics
Classification: Uncertain significance for Inborn genetic diseases. Last evaluated: 2021-12-15. Review status: criteria provided, single submitter. Criteria: Ambry Variant Classification Scheme 2023. Collection method: clinical testing. Allele origin: germline.
Comment: The p.T307P variant (also known as c.919A>C), located in coding exon 8 of the ACD gene, results from an A to C substitution at nucleotide position 919. The threonine at codon 307 is replaced by proline, an amino acid with highly similar properties. This amino acid position is conserved. In addition, this alteration is predicted to be tolerated by in silico analysis. Since supporting evidence is limited at this time, the clinical significance of this alteration remains unclear.

NM_001082486.2(ACD):c.661A>C (p.Thr221Pro)

Gene: ACD (ACD shelterin complex subunit and telomerase recruitment factor; minus strand). Cytogenetic location: 16q22.1.
Variant type: single nucleotide variant.
Coding change: c.661A>C on transcript NM_001082486.2 (MANE Select); coding-DNA position 661, A replaced by C.
Protein change: p.Thr221Pro; replaces threonine 221 with proline.
Molecular consequence: missense variant.
Genome position (GRCh38, 1-based): chr16:67,658,801, T>G on the plus strand (A>C on the coding strand, the complement: ACD is on the minus strand). VCF-style: chr16-67658801-T-G. GRCh37 (hg19) VCF-style: chr16-67692704-T-G.
Other names: c.661A>C, p.Thr221Pro (NM_001410884.1); c.652A>C, p.Thr218Pro (NM_022914.3); short protein forms T218P, T221P.
Identifiers: ClinVar variation 1766133 (VCV001766133.2), dbSNP rs2543602563, ClinGen allele CA396353720.